The following is an entry in ClinVar:

ClinVar aggregate classification (germline): Likely benign (1 of 4 stars; one submission).

gnomAD v4.1: 66 of 1,546,618 alleles (0.0043%); highest among the groups gnomAD compares: Middle Eastern, 0.067%; no homozygotes.

Submission:

CeGaT Center for Human Genetics Tuebingen
Classification: Likely benign. Last evaluated: 2026-10-01. Review status: criteria provided, single submitter. Criteria: CeGaT Center For Human Genetics Tuebingen Variant Classification Criteria Version 2. Collection method: clinical testing. Allele origin: germline. Affected: yes. Observed: 3 variant alleles.
Comment: CACNA1A: BP4, BP7

NM_001127222.2(CACNA1A):c.7458C>T (p.Arg2486=)

Gene: CACNA1A (calcium voltage-gated channel subunit alpha1 A; minus strand). Cytogenetic location: 19p13.13.
Variant type: single nucleotide variant.
Coding change: c.7458C>T on transcript NM_001127222.2 (MANE Select); coding-DNA position 7458, C replaced by T.
Protein change: p.Arg2486=; no amino-acid change (arginine 2486 retained).
Molecular consequence: synonymous variant. On other transcripts: 3 prime UTR variant (3).
Genome position (GRCh38, 1-based): chr19:13,207,376, G>A on the plus strand (C>T on the coding strand, the complement: CACNA1A is on the minus strand). VCF-style: chr19-13207376-G-A. GRCh37 (hg19) VCF-style: chr19-13318190-G-A.
Other names: c.*670C>T (NM_000068.4, NM_001127221.2, NM_001174080.2); c.7476C>T, p.Arg2492= (NM_023035.3).
Identifiers: ClinVar variation 3904941 (VCV003904941.10).